The following is an entry in ClinVar:

ClinVar aggregate classification (germline): Likely pathogenic. Review status: reviewed by expert panel (3 of 4 stars). 4 submissions from 4 submitters: Likely pathogenic (1). 3 of the submissions do not count toward it. Last evaluated 2023-06-29.

Conditions:
Nonsyndromic genetic hearing loss. Also called: Nonsyndromic hearing loss and deafness; Non-syndromic genetic deafness; Nonsyndromic genetic deafness. Identifiers: Orphanet 87884, MedGen C5680182, MONDO:0019497.
Autosomal recessive nonsyndromic hearing loss 9. Also called: Deafness, autosomal recessive 9; NEUROSENSORY NONSYNDROMIC RECESSIVE DEAFNESS 9; OTOF-Related Hearing Loss; AUDITORY NEUROPATHY, AUTOSOMAL RECESSIVE, 1, TEMPERATURE-SENSITIVE. Identifiers: Orphanet 90636, MedGen C1832828, MONDO:0010986, OMIM 601071.

Allele frequency attached by ClinVar (database versions not stated): ExAC 0.00002; TOPMed 0.00001; ESP Exome Variant Server 0.00008; gnomAD 0.00001; gnomAD exomes 0.00001.
gnomAD v4.1: 16 of 1,614,062 alleles (0.00099%); highest among the groups gnomAD compares: Non-Finnish European, 0.0012%; no homozygotes.

Submissions (4):

ClinGen Hearing Loss Variant Curation Expert Panel
Classification: Likely pathogenic for Nonsyndromic genetic hearing loss. Last evaluated: 2023-06-29. Review status: reviewed by expert panel. Criteria: clingen hl acmg specifications otof myo15a v1. Collection method: curation. Allele origin: germline. Inheritance: Autosomal recessive inheritance.
Comment: The c.5374C>T variant in OTOF is a missense variant predicted to cause substitution of arginine by cysteine at amino acid 1792. The highest population minor allele frequency in gnomAD v2.1.1 is 0.00006152 (1/16256 alleles) in the African/African American population, which is lower than the ClinGen Hearing Loss VCEP threshold (<0.00007) for PM2_Supporting, meeting this criterion (PM2_Supporting). The computational predictor REVEL gives a score of 0.843, which is above the threshold of 0.7, evidence that correlates with impact to OTOF function (PP3). 1 different missense variant, c.5375G>A (p.R1792H) (PMID: 29048421, ClinVar Variation ID: 48259), in the same codon has been classified as likely pathogenic for nonsyndromic hearing loss by multiple submitters in ClinVar (PM5). This variant has been detected in at least 3 individuals with AR deafness. For two of those individuals, both were compound heterozygous for the variant and a VUS meeting PM2_Supporting, and both of those were confirmed in trans by family testing (c.2676G>A (p.K892K) which occurs at the last nucleotide in exon (22) of OTOF and c.4748G>A (p.R1583H), 1.5 PM3 points, PMID: 34416374, Universitätsmedizin Göttingen, Institute of Human Genetics/Institute of Auditory Neuroscience & InnerEarLab) (PM3). At least one patient was compound heterozygous for this variant and the p.K892K variant displayed auditory neuropathy spectrum disorder (ANSD), which is highly specific for autosomal recessive deafness (PP4, PMID: 34416374). In summary, this variant meets the criteria to be classified as likely pathogenic for autosomal recessive nonsyndromic hearing loss based on the ACMG/AMP criteria applied, as specified by the ClinGen Hearing Loss VCEP: PM2_P, PP3, PP4, PM3, PM5 (ClinGen Hearing Loss VCEP specifications version 2; 6/27/2022).

Labcorp Genetics (formerly Invitae), Labcorp
Classification: Likely pathogenic. Last evaluated: 2024-01-16. Review status: criteria provided, single submitter. Criteria: Invitae Variant Classification Sherloc (09022015). Collection method: clinical testing. Allele origin: germline. Not counted in ClinVar's aggregate classification.
Comment: This sequence change replaces arginine, which is basic and polar, with cysteine, which is neutral and slightly polar, at codon 1792 of the OTOF protein (p.Arg1792Cys). This variant is present in population databases (rs142111099, gnomAD 0.007%). This missense change has been observed in individuals with OTOF-related conditions (PMID: 31095577, 34416374, 34536124; Invitae). ClinVar contains an entry for this variant (Variation ID: 178503). Advanced modeling of protein sequence and biophysical properties (such as structural, functional, and spatial information, amino acid conservation, physicochemical variation, residue mobility, and thermodynamic stability) performed at Invitae indicates that this missense variant is expected to disrupt OTOF protein function with a positive predictive value of 80%. This variant disrupts the p.Arg1792 amino acid residue in OTOF. Other variant(s) that disrupt this residue have been observed in individuals with OTOF-related conditions (PMID: 29048421), which suggests that this may be a clinically significant amino acid residue. In summary, the currently available evidence indicates that the variant is pathogenic, but additional data are needed to prove that conclusively. Therefore, this variant has been classified as Likely Pathogenic.

Laboratory for Molecular Medicine, Mass General Brigham Personalized Medicine
Classification: Uncertain significance. Last evaluated: 2016-09-15. Review status: criteria provided, single submitter. Criteria: LMM Criteria. Collection method: clinical testing. Allele origin: germline. Observed: 1 variant allele. Not counted in ClinVar's aggregate classification.
Comment: proposed classification - variant undergoing re-assessment, contact laboratory

Diagnosis and Treatment Center of Genetic Hearing Loss, Eye & ENT Hospital of Fudan University
Classification: Likely pathogenic for Autosomal recessive nonsyndromic hearing loss 9. Last evaluated: 2026-02-04. Review status: no assertion criteria provided. Collection method: clinical testing. Allele origin: germline. Inheritance: Autosomal recessive inheritance. Affected: yes. Not counted in ClinVar's aggregate classification.
Comment: The c.5374C>T missense variant in OTOF has been reported in at least three patients: one in trans with pathogenic c.5816G>A, and two with VUS (c.3515G>A and c.2676G>A) (PM3). A pathogenic variant at the same amino acid position, c.5375G>A (p.Arg1792His), has been reported (PM5). The REVEL score is 0.843 (PP3_Moderate). The maximum population frequency is 0.000077 (PM2_Supporting). The phenotype is consistent with auditory neuropathy (PP4). (PMID: 31095577, 34416374, 34536124, 29048421)

Literature cited by the submitters: PubMed 31095577 (cited by Labcorp Genetics (formerly Invitae), Labcorp and Diagnosis and Treatment Center of Genetic Hearing Loss, Eye & ENT Hospital of Fudan University); PubMed 34416374 (cited by Labcorp Genetics (formerly Invitae), Labcorp and Diagnosis and Treatment Center of Genetic Hearing Loss, Eye & ENT Hospital of Fudan University); PubMed 34536124 (cited by Labcorp Genetics (formerly Invitae), Labcorp and Diagnosis and Treatment Center of Genetic Hearing Loss, Eye & ENT Hospital of Fudan University); PubMed 29048421 (cited by Labcorp Genetics (formerly Invitae), Labcorp and Diagnosis and Treatment Center of Genetic Hearing Loss, Eye & ENT Hospital of Fudan University).

NM_194248.3(OTOF):c.5374C>T (p.Arg1792Cys)

Gene: OTOF (otoferlin; minus strand). Cytogenetic location: 2p23.3.
Variant type: single nucleotide variant.
Coding change: c.5374C>T on transcript NM_194248.3 (MANE Select); coding-DNA position 5374, C replaced by T.
Protein change: p.Arg1792Cys; replaces arginine 1792 with cysteine.
Molecular consequence: missense variant.
Genome position (GRCh38, 1-based): chr2:26,461,855, G>A on the plus strand (C>T on the coding strand, the complement: OTOF is on the minus strand). VCF-style: chr2-26461855-G-A. GRCh37 (hg19) VCF-style: chr2-26684723-G-A.
Other names: NM_194248.3(OTOF):c.5374C>T; c.5374C>T, p.Arg1792Cys (NM_001287489.2); c.3073C>T, p.Arg1025Cys (NM_004802.4, NM_194323.3); c.3304C>T, p.Arg1102Cys (NM_194322.3); short protein forms R1792C, R1025C, R1102C.
Identifiers: ClinVar variation 178503 (VCV000178503.12), dbSNP rs142111099, ClinGen allele CA182451.
Genomic context (GRCh38, chr2:26,461,855, plus strand): 5'-CCTTCTTGGAGATGACGATCTTCTCCTCCGCCGCCAGGTAGTCGAAGGGGAACAGGTAGC[G>A]CCAGTTGAAGTTGCCCTCGCCAGTGAGGGAGTGGTAGTGGACGTCTGTGTCCTGCTTGTC-3'
Protein context (NP_919224.1, residues 1782-1802): SLTGEGNFNW[Arg1792Cys]YLFPFDYLAA